The following is an entry in ClinVar:

ClinVar aggregate classification (germline): Uncertain significance. Review status: criteria provided, multiple submitters, no conflicts (2 of 4 stars). 7 submissions from 7 submitters: Uncertain significance (4). 3 of the submissions do not count toward it. Last evaluated 2025-04-01.

Conditions:
ANKS6-related disorder. Also called: ANKS6-related condition.
Nephronophthisis 16 (NPHP16). Identifiers: Orphanet 655, MedGen C3809320, MONDO:0014158, OMIM 615382.

Allele frequency attached by ClinVar (database versions not stated): 1000 Genomes Project 0.00020; 1000 Genomes Project 30x 0.00031; ExAC 0.00044; gnomAD exomes 0.00044 and 0.00050; gnomAD 0.00047 and 0.00048; ESP Exome Variant Server 0.00048; TOPMed 0.00056.
gnomAD v4.1: 732 of 1,613,710 alleles (0.045%); highest among the groups gnomAD compares: Middle Eastern, 0.4%; 1 homozygote.

Submissions (7):

CeGaT Center for Human Genetics Tuebingen
Classification: Uncertain significance. Last evaluated: 2025-04-01. Review status: criteria provided, single submitter. Criteria: CeGaT Center For Human Genetics Tuebingen Variant Classification Criteria Version 2. Collection method: clinical testing. Allele origin: germline. Affected: yes. Observed: 1 variant allele.

Labcorp Genetics (formerly Invitae), Labcorp
Classification: Uncertain significance for Nephronophthisis 16. Last evaluated: 2024-10-24. Review status: criteria provided, single submitter. Criteria: Invitae Variant Classification Sherloc (09022015). Collection method: clinical testing. Allele origin: germline.
Comment: This sequence change replaces serine, which is neutral and polar, with leucine, which is neutral and non-polar, at codon 756 of the ANKS6 protein (p.Ser756Leu). This variant is present in population databases (rs199722684, gnomAD 0.1%), and has an allele count higher than expected for a pathogenic variant. This variant has not been reported in the literature in individuals affected with ANKS6-related conditions. ClinVar contains an entry for this variant (Variation ID: 638870). An algorithm developed to predict the effect of missense changes on protein structure and function (PolyPhen-2) suggests that this variant is likely to be disruptive. In summary, the available evidence is currently insufficient to determine the role of this variant in disease. Therefore, it has been classified as a Variant of Uncertain Significance.

Fulgent Genetics
Classification: Uncertain significance for Nephronophthisis 16. Last evaluated: 2024-03-22. Review status: criteria provided, single submitter. Criteria: ACMG Guidelines, 2015. Collection method: clinical testing. Allele origin: germline.

Breakthrough Genomics
Classification: Uncertain significance. Review status: criteria provided, single submitter. Criteria: ACMG Guidelines, 2015. Collection method: not provided. Allele origin: germline. Inheritance: Autosomal recessive inheritance. Affected: yes.

PreventionGenetics, part of Exact Sciences
Classification: Uncertain significance for ANKS6-related condition. Last evaluated: 2024-04-16. Review status: no assertion criteria provided. Collection method: clinical testing. Allele origin: germline. Not counted in ClinVar's aggregate classification.
Comment: The ANKS6 c.2267C>T variant is predicted to result in the amino acid substitution p.Ser756Leu. This variant was reported in a patient with breast cancer (Mighri et al. 2020. PubMed ID: 33240314). This variant is reported in 0.10% of alleles in individuals of Latino descent in gnomAD. At this time, the clinical significance of this variant is uncertain due to the absence of conclusive functional and genetic evidence.

Clinical Genetics DNA and cytogenetics Diagnostics Lab, Erasmus MC, Erasmus Medical Center
Classification: Uncertain significance. Review status: no assertion criteria provided. Collection method: clinical testing. Allele origin: germline. Affected: yes. Study: VKGL Data-share Consensus. Not counted in ClinVar's aggregate classification.

Diagnostic Laboratory, Department of Genetics, University Medical Center Groningen
Classification: Uncertain significance. Review status: no assertion criteria provided. Collection method: clinical testing. Allele origin: germline. Affected: yes. Study: VKGL Data-share Consensus. Not counted in ClinVar's aggregate classification.

NM_173551.5(ANKS6):c.2267C>T (p.Ser756Leu)

Gene: ANKS6 (ankyrin repeat and sterile alpha motif domain containing 6; minus strand). Cytogenetic location: 9q22.33.
Variant type: single nucleotide variant.
Coding change: c.2267C>T on transcript NM_173551.5 (MANE Select); coding-DNA position 2267, C replaced by T.
Protein change: p.Ser756Leu; replaces serine 756 with leucine.
Molecular consequence: missense variant.
Genome position (GRCh38, 1-based): chr9:98,756,479, G>A on the plus strand (C>T on the coding strand, the complement: ANKS6 is on the minus strand). VCF-style: chr9-98756479-G-A. GRCh37 (hg19) VCF-style: chr9-101518761-G-A.
Other names: c.2267C>T (NM_173551.4); short protein forms S756L.
Identifiers: ClinVar variation 638870 (VCV000638870.20), dbSNP rs199722684, ClinGen allele CA5153214.